The following is an entry in ClinVar:

NM_013266.4(CTNNA3):c.1241A>G (p.Tyr414Cys)

Gene: CTNNA3 (catenin alpha 3; minus strand). Cytogenetic location: 10q21.3.
Variant type: single nucleotide variant.
Coding change: c.1241A>G on transcript NM_013266.4 (MANE Select); coding-DNA position 1241, A replaced by G.
Protein change: p.Tyr414Cys; replaces tyrosine 414 with cysteine.
Molecular consequence: missense variant.
Genome position (GRCh38, 1-based): chr10:66,766,304, T>C on the plus strand (A>G on the coding strand, the complement: CTNNA3 is on the minus strand). VCF-style: chr10-66766304-T-C. GRCh37 (hg19) VCF-style: chr10-68526062-T-C.
Other names: c.1241A>G, p.Tyr414Cys (NM_001127384.3); short protein forms Y414C.
Identifiers: ClinVar variation 1396100 (VCV001396100.6), dbSNP rs2132785561, ClinGen allele CA377091855.
Genomic context (GRCh38, chr10:66,766,304, plus strand): 5'-TACAGTTCTAGCATGCTTACCTCTACAAGCCTGCTGGTGTGTTCATGAAATATCGCAGCA[T>C]ATTCTTTTATTTCCTTTTCCCGGCCATTCTTAGCAGCTTCAATGAGAACCAAAAGAGGGA-3'
Protein context (NP_037398.2, residues 404-424): KNGREKEIKE[Tyr414Cys]AAIFHEHTSR

ClinVar aggregate classification (germline): Uncertain significance (1 of 4 stars; one submission).

Conditions:
Arrhythmogenic right ventricular dysplasia 13. Also called: Arrhythmogenic right ventricular dysplasia, familial, 13; ARRHYTHMOGENIC RIGHT VENTRICULAR CARDIOMYOPATHY 13. Identifiers: MedGen C3810138, MONDO:0000908, OMIM 615616.

Allele frequency attached by ClinVar (database versions not stated): gnomAD exomes below 0.00001.

Submission:

Labcorp Genetics (formerly Invitae), Labcorp
Classification: Uncertain significance for Arrhythmogenic right ventricular dysplasia 13. Last evaluated: 2021-11-08. Review status: criteria provided, single submitter. Criteria: Invitae Variant Classification Sherloc (09022015). Collection method: clinical testing. Allele origin: germline.
Comment: Algorithms developed to predict the effect of missense changes on protein structure and function are either unavailable or do not agree on the potential impact of this missense change (SIFT: "Deleterious"; PolyPhen-2: "Probably Damaging"; Align-GVGD: "Class C0"). This variant has not been reported in the literature in individuals affected with CTNNA3-related conditions. This variant is not present in population databases (gnomAD no frequency). This sequence change replaces tyrosine, which is neutral and polar, with cysteine, which is neutral and slightly polar, at codon 414 of the CTNNA3 protein (p.Tyr414Cys). In summary, the available evidence is currently insufficient to determine the role of this variant in disease. Therefore, it has been classified as a Variant of Uncertain Significance.